The following is an entry in ClinVar:

ClinVar aggregate classification (germline): Likely pathogenic (1 of 4 stars; one submission).

Conditions:
Ellis-van Creveld syndrome (EVC). Also called: Chondroectodermal dysplasia; EVC-Related Ellis-van Creveld Syndrome; EVC2-Related Ellis-van Creveld Syndrome; MESOECTODERMAL DYSPLASIA. Identifiers: Orphanet 289, MedGen C0013903, MONDO:0009162, OMIM 225500.

Submission:

Natera, Inc.
Classification: Likely pathogenic for Ellis-van Creveld syndrome. Last evaluated: 2025-04-13. Review status: criteria provided, single submitter. Criteria: Natera Variant Classification Schema (03/2026). Collection method: clinical testing. Allele origin: germline.
Comment: The c.1728del variant in EVC is a frameshift variant predicted to shift the reading frame beginning at codon 577 and leads to a stop codon 11 codons downstream. This variant is expected to result in nonsense mediated decay, truncation, or a dysfunctional protein product. This variant is rare in the general population with a frequency below the threshold expected for the associated phenotype(s). Given the available evidence, this variant is classified as Likely Pathogenic.

NM_153717.3(EVC):c.1728del (p.Arg577fs)

Gene: EVC (EvC ciliary complex subunit 1; plus strand). Cytogenetic location: 4p16.2.
Variant type: Deletion.
Coding change: c.1728del on transcript NM_153717.3 (MANE Select); coding-DNA position 1728, one base deleted (G; older notation c.1728delG).
Protein change: p.Arg577fs; shifts the reading frame from arginine 577.
Molecular consequence: frameshift variant.
Genome position (GRCh38, 1-based): chr4:5,783,716, G deleted; the last of 2 consecutive G bases (chr4:5,783,715-5,783,716); deleting either gives the same sequence. VCF-style (leftmost placement, unchanged base first): chr4-5783714-CG-C. GRCh37 (hg19) VCF-style: chr4-5785441-CG-C.
Other names: c.1728del, p.Arg577fs (NM_001306090.2); short protein forms R577fs.
Identifiers: ClinVar variation 4067518 (VCV004067518.2).